The following is an entry in ClinVar:

ClinVar aggregate classification (germline): Conflicting classifications of pathogenicity. Review status: criteria provided, conflicting classifications (1 of 4 stars). 2 submissions from 2 submitters: Uncertain significance (1); Likely benign (1). Last evaluated 2025-11-03.

gnomAD v4.1: 19 of 1,610,300 alleles (0.0012%); highest among the groups gnomAD compares: East Asian, 0.0022%; no homozygotes.

Submissions (2):

Labcorp Genetics (formerly Invitae), Labcorp
Classification: Uncertain significance. Last evaluated: 2025-11-03. Review status: criteria provided, single submitter. Criteria: Invitae Variant Classification Sherloc (09022015). Collection method: clinical testing. Allele origin: germline.
Comment: This sequence change affects codon 364 of the SLC34A3 mRNA. It is a 'silent' change, meaning that it does not change the encoded amino acid sequence of the SLC34A3 protein. It affects a nucleotide within the consensus splice site. This variant is present in population databases (rs753741896, gnomAD 0.007%). This variant has not been reported in the literature in individuals affected with SLC34A3-related conditions. Algorithms developed to predict the effect of sequence changes on RNA splicing suggest that this variant is not likely to affect RNA splicing. In summary, the available evidence is currently insufficient to determine the role of this variant in disease. Therefore, it has been classified as a Variant of Uncertain Significance.

Blueprint Genetics
Classification: Likely benign. Last evaluated: 2022-07-11. Review status: criteria provided, single submitter. Criteria: ACMG Guidelines, 2015. Collection method: clinical testing. Allele origin: germline.

NM_001177316.2(SLC34A3):c.1092G>A (p.Ala364=)

Gene: SLC34A3 (solute carrier family 34 member 3; plus strand). Cytogenetic location: 9q34.3.
Variant type: single nucleotide variant.
Coding change: c.1092G>A on transcript NM_001177316.2 (MANE Select); coding-DNA position 1092, G replaced by A.
Protein change: p.Ala364=; no amino-acid change (alanine 364 retained).
Molecular consequence: synonymous variant.
Genome position (GRCh38, 1-based): chr9:137,234,275, G>A. VCF-style: chr9-137234275-G-A. GRCh37 (hg19) VCF-style: chr9-140128727-G-A.
Other names: c.1092G>A, p.Ala364= (NM_001177317.2, NM_080877.3).
Identifiers: ClinVar variation 4752310 (VCV004752310.2).
Genomic context (GRCh38, chr9:137,234,275, plus strand): 5'-GCTGCTCAACTCTGTGCTGCGCGGCCGCGTGGCCCAGGTCGTGAGGACAGTCATCAATGC[G>A]GGTGAGGGCGTGGGAGGAGGTGCGGTGGCCAGGGCTGACCCAGCATCCCCCATAGACTTC-3'
Protein context (NP_001170787.2, residues 354-374): VAQVVRTVIN[Ala364=]DFPFPLGWLG